The following is an entry in ClinVar:

ClinVar aggregate classification (germline): Pathogenic (1 of 4 stars; one submission).

Conditions:
Early-infantile DEE. Also called: Early infantile epileptic encephalopathy with suppression bursts; Early infantile epileptic encephalopathy; Ohtahara syndrome. Identifiers: Orphanet 1934, MedGen C0393706, MONDO:0800491.

Submission:

Labcorp Genetics (formerly Invitae), Labcorp
Classification: Pathogenic for Early-infantile DEE. Last evaluated: 2025-06-03. Review status: criteria provided, single submitter. Criteria: Invitae Variant Classification Sherloc (09022015). Collection method: clinical testing. Allele origin: germline.
Comment: This sequence change creates a premature translational stop signal (p.Gln331*) in the SPTAN1 gene. It is expected to result in an absent or disrupted protein product. Loss-of-function variants in SPTAN1 are known to be pathogenic (PMID: 31332438, 33206935). This variant is not present in population databases (gnomAD no frequency). This variant has not been reported in the literature in individuals affected with SPTAN1-related conditions. Algorithms developed to predict the effect of sequence changes on RNA splicing suggest that this variant may disrupt the consensus splice site. For these reasons, this variant has been classified as Pathogenic.

Literature cited by the submitters: PubMed 31332438; PubMed 33206935.

NM_001130438.3(SPTAN1):c.991C>T (p.Gln331Ter)

Gene: SPTAN1 (spectrin alpha, non-erythrocytic 1; plus strand). Cytogenetic location: 9q34.11.
Variant type: single nucleotide variant.
Coding change: c.991C>T on transcript NM_001130438.3 (MANE Select); coding-DNA position 991, C replaced by T.
Protein change: p.Gln331Ter; replaces glutamine 331 with a stop codon.
Molecular consequence: nonsense.
Genome position (GRCh38, 1-based): chr9:128,577,412, C>T. VCF-style: chr9-128577412-C-T. GRCh37 (hg19) VCF-style: chr9-131339691-C-T.
Other names: c.991C>T, p.Gln331Ter (NM_001195532.2, NM_001363759.2, NM_001363765.2 and 10 more transcripts); c.1027C>T, p.Gln343Ter (NM_001375312.2, NM_001375318.1, NM_001438440.1); short protein forms Q343*, Q331*.
Identifiers: ClinVar variation 4720723 (VCV004720723.1).